The following is an entry in ClinVar:

NM_003737.4(DCHS1):c.3785A>T (p.Glu1262Val)

Gene: DCHS1 (dachsous cadherin-related 1; minus strand). Cytogenetic location: 11p15.4.
Variant type: single nucleotide variant.
Coding change: c.3785A>T on transcript NM_003737.4 (MANE Select); coding-DNA position 3785, A replaced by T.
Protein change: p.Glu1262Val; replaces glutamic acid 1262 with valine.
Molecular consequence: missense variant.
Genome position (GRCh38, 1-based): chr11:6,631,198, T>A on the plus strand (A>T on the coding strand, the complement: DCHS1 is on the minus strand). VCF-style: chr11-6631198-T-A. GRCh37 (hg19) VCF-style: chr11-6652429-T-A.
Other names: short protein forms E1262V.
Identifiers: ClinVar variation 1028650 (VCV001028650.4), dbSNP rs371379877, ClinGen allele CA5860423.

ClinVar aggregate classification (germline): Uncertain significance. Review status: criteria provided, multiple submitters, no conflicts (2 of 4 stars). 2 submissions from 2 submitters: Uncertain significance (2). Last evaluated 2023-05-24.

Conditions:
Mitral valve prolapse, myxomatous 2. Also called: Mitral valve prolapse 2; MMVP2. Identifiers: MedGen C1843003, MONDO:0011915, OMIM 607829.

Allele frequency attached by ClinVar (database versions not stated): gnomAD 0.00001; TOPMed 0.00001; gnomAD exomes 0.00002 and 0.00004; ExAC 0.00006; ESP Exome Variant Server 0.00008.
gnomAD v4.1: 34 of 1,611,462 alleles (0.0021%); highest among the groups gnomAD compares: African/African-American, 0.0027%; no homozygotes.

Submissions (2):

Labcorp Genetics (formerly Invitae), Labcorp
Classification: Uncertain significance. Last evaluated: 2023-05-24. Review status: criteria provided, single submitter. Criteria: Invitae Variant Classification Sherloc (09022015). Collection method: clinical testing. Allele origin: germline.
Comment: This sequence change replaces glutamic acid, which is acidic and polar, with valine, which is neutral and non-polar, at codon 1262 of the DCHS1 protein (p.Glu1262Val). This variant is present in population databases (rs371379877, gnomAD 0.006%). This variant has not been reported in the literature in individuals affected with DCHS1-related conditions. ClinVar contains an entry for this variant (Variation ID: 1028650). Advanced modeling of protein sequence and biophysical properties (such as structural, functional, and spatial information, amino acid conservation, physicochemical variation, residue mobility, and thermodynamic stability) performed at Invitae indicates that this missense variant is expected to disrupt DCHS1 protein function. In summary, the available evidence is currently insufficient to determine the role of this variant in disease. Therefore, it has been classified as a Variant of Uncertain Significance.

Baylor Genetics
Classification: Uncertain significance for Mitral valve prolapse, myxomatous 2. Last evaluated: 2019-02-21. Review status: criteria provided, single submitter. Criteria: ACMG Guidelines, 2015. Collection method: clinical testing. Allele origin: unknown. Affected: yes.
Comment: This variant was determined to be of uncertain significance according to ACMG Guidelines, 2015 [PMID:25741868].